The following is an entry in ClinVar:

ClinVar aggregate classification (germline): Pathogenic (1 of 4 stars; one submission).

Submission:

Labcorp Genetics (formerly Invitae), Labcorp
Classification: Pathogenic. Last evaluated: 2024-02-24. Review status: criteria provided, single submitter. Criteria: Invitae Variant Classification Sherloc (09022015). Collection method: clinical testing. Allele origin: germline.
Comment: This sequence change creates a premature translational stop signal (p.Glu3395*) in the USH2A gene. It is expected to result in an absent or disrupted protein product. Loss-of-function variants in USH2A are known to be pathogenic (PMID: 10729113, 10909849, 20507924, 25649381). This variant is not present in population databases (gnomAD no frequency). This premature translational stop signal has been observed in individual(s) with Usher syndrome (PMID: 27460420). ClinVar contains an entry for this variant (Variation ID: 1355225). Algorithms developed to predict the effect of sequence changes on RNA splicing suggest that this variant may disrupt the consensus splice site. For these reasons, this variant has been classified as Pathogenic.

Literature cited by the submitters: PubMed 10729113; PubMed 10909849; PubMed 20507924; PubMed 25649381; PubMed 27460420.

NM_206933.4(USH2A):c.10183G>T (p.Glu3395Ter)

Gene: USH2A (usherin; minus strand). Cytogenetic location: 1q41.
Variant type: single nucleotide variant.
Coding change: c.10183G>T on transcript NM_206933.4 (MANE Select); coding-DNA position 10183, G replaced by T.
Protein change: p.Glu3395Ter; replaces glutamic acid 3395 with a stop codon.
Molecular consequence: nonsense.
Genome position (GRCh38, 1-based): chr1:215,786,874, C>A on the plus strand (G>T on the coding strand, the complement: USH2A is on the minus strand). VCF-style: chr1-215786874-C-A. GRCh37 (hg19) VCF-style: chr1-215960216-C-A.
Other names: short protein forms E3395*.
Identifiers: ClinVar variation 1355225 (VCV001355225.6), dbSNP rs2102767109, ClinGen allele CA344840826.